The following is an entry in ClinVar:

ClinVar aggregate classification (germline): Likely benign. Review status: criteria provided, single submitter (1 of 4 stars). 2 submissions from 2 submitters: Likely benign (1). 1 of the submissions does not count toward it. Last evaluated 2025-12-08.

Conditions:
Hereditary cancer-predisposing syndrome. Also called: Tumor predisposition; Hereditary Cancer Syndrome; Hereditary neoplastic syndrome; Neoplastic Syndromes, Hereditary. Identifiers: Orphanet 140162, MedGen C0027672, MeSH D009386, MONDO:0015356.
RPS20-related disorder. Also called: RPS20-related condition.

Allele frequency attached by ClinVar (database versions not stated): gnomAD exomes 0.00007; gnomAD 0.00087; 1000 Genomes Project 30x 0.00172; ExAC 0.00040; ESP Exome Variant Server 0.00066; TOPMed 0.00084; 1000 Genomes Project 0.00140.
gnomAD v4.1: 227 of 1,551,634 alleles (0.015%); highest among the groups gnomAD compares: African/African-American, 0.28%; 2 homozygotes.

Submissions (2):

Institute for Biomarker Research, Medical Diagnostic Laboratories, L.L.C.
Classification: Likely benign for Hereditary cancer-predisposing syndrome. Last evaluated: 2025-12-08. Review status: criteria provided, single submitter. Criteria: ACMG Guidelines, 2015. Collection method: clinical testing. Allele origin: germline.
Comment: The missense variant NM_001146227.3(RPS20):c.421C>G (p.Pro141Ala) has been reported to ClinVar as Likely benign with a status of (0 stars) no assertion criteria provided (Accession: VCV003046237.2). There is a small physicochemical difference between proline and alanine, which is not likely to impact secondary protein structure as these residues share similar properties. The p.Pro141Ala variant is not predicted to introduce a novel splice site by any splice site algorithm. The nucleotide c.421 in RPS20 is not conserved according to a GERP++ and PhyloP analysis of 100 vertebrates. For these reasons, this variant has been classified as Likely Benign.

PreventionGenetics, part of Exact Sciences
Classification: Likely benign for RPS20-related condition. Last evaluated: 2024-02-02. Review status: no assertion criteria provided. Collection method: clinical testing. Allele origin: germline. Not counted in ClinVar's aggregate classification.
Comment: This variant is classified as likely benign based on ACMG/AMP sequence variant interpretation guidelines (Richards et al. 2015 PMID: 25741868, with internal and published modifications).

NM_001146227.3(RPS20):c.421C>G (p.Pro141Ala)

Gene: RPS20 (ribosomal protein S20; minus strand). Cytogenetic location: 8q12.1.
Variant type: single nucleotide variant.
Coding change: c.421C>G on transcript NM_001146227.3; coding-DNA position 421, C replaced by G.
Protein change: p.Pro141Ala; replaces proline 141 with alanine.
Molecular consequence: missense variant.
Genome position (GRCh38, 1-based): chr8:56,069,746, G>C on the plus strand (C>G on the coding strand, the complement: RPS20 is on the minus strand). VCF-style: chr8-56069746-G-C. GRCh37 (hg19) VCF-style: chr8-56982305-G-C.
Other names: short protein forms P141A.
Identifiers: ClinVar variation 3046237 (VCV003046237.3), dbSNP rs190701391, ClinGen allele CA4754285.